The following is an entry in ClinVar:

ClinVar aggregate classification (germline): Uncertain significance. Review status: criteria provided, multiple submitters, no conflicts (2 of 4 stars). 2 submissions from 2 submitters: Uncertain significance (2). Last evaluated 2023-12-21.

Conditions:
Idiopathic basal ganglia calcification 1 (PFBC1A). Also called: Cerebral calcification nonarteriosclerotic idiopathic adult-onset; Striopallidodentate calcinosis autosomal dominant adult-onset; Ferrocalcinosis, cerebrovascular; Fahr disease, familial (formerly); PRIMARY FAMILIAL BRAIN CALCIFICATION 1A, AUTOSOMAL DOMINANT; Familial Idiopathic Basal Ganglia Calcification 3. Identifiers: Orphanet 1980, MedGen C4551624, MONDO:0024538, OMIM 213600.

Allele frequency attached by ClinVar (database versions not stated): TOPMed below 0.00001.
gnomAD v4.1: 8 of 1,613,898 alleles (0.0005%); highest among the groups gnomAD compares: Non-Finnish European, 0.00059%; no homozygotes.

Submissions (2):

Labcorp Genetics (formerly Invitae), Labcorp
Classification: Uncertain significance. Last evaluated: 2023-12-21. Review status: criteria provided, single submitter. Criteria: Invitae Variant Classification Sherloc (09022015). Collection method: clinical testing. Allele origin: germline.
Comment: This sequence change replaces serine, which is neutral and polar, with leucine, which is neutral and non-polar, at codon 324 of the SLC20A2 protein (p.Ser324Leu). This variant is not present in population databases (gnomAD no frequency). This variant has not been reported in the literature in individuals affected with SLC20A2-related conditions. ClinVar contains an entry for this variant (Variation ID: 911475). Advanced modeling of protein sequence and biophysical properties (such as structural, functional, and spatial information, amino acid conservation, physicochemical variation, residue mobility, and thermodynamic stability) performed at Invitae indicates that this missense variant is not expected to disrupt SLC20A2 protein function with a negative predictive value of 80%. In summary, the available evidence is currently insufficient to determine the role of this variant in disease. Therefore, it has been classified as a Variant of Uncertain Significance.

Illumina Laboratory Services, Illumina
Classification: Uncertain significance for Idiopathic basal ganglia calcification 1. Last evaluated: 2018-01-13. Review status: criteria provided, single submitter. Criteria: ICSL Variant Classification Criteria 13 December 2019. Collection method: clinical testing. Allele origin: germline.

NM_001257180.2(SLC20A2):c.971C>T (p.Ser324Leu)

Gene: SLC20A2 (solute carrier family 20 member 2; minus strand). Cytogenetic location: 8p11.21.
Variant type: single nucleotide variant.
Coding change: c.971C>T on transcript NM_001257180.2 (MANE Select); coding-DNA position 971, C replaced by T.
Protein change: p.Ser324Leu; replaces serine 324 with leucine.
Molecular consequence: missense variant.
Genome position (GRCh38, 1-based): chr8:42,437,541, G>A on the plus strand (C>T on the coding strand, the complement: SLC20A2 is on the minus strand). VCF-style: chr8-42437541-G-A. GRCh37 (hg19) VCF-style: chr8-42295059-G-A.
Other names: c.971C>T, p.Ser324Leu (NM_001257181.2, NM_006749.5); short protein forms S324L.
Identifiers: ClinVar variation 911475 (VCV000911475.8), dbSNP rs886041752, ClinGen allele CA371097690.